The following is an entry in ClinVar:

NM_001458.5(FLNC):c.2825T>G (p.Val942Gly)

Gene: FLNC (filamin C; plus strand). Cytogenetic location: 7q32.1.
Variant type: single nucleotide variant.
Coding change: c.2825T>G on transcript NM_001458.5 (MANE Select); coding-DNA position 2825, T replaced by G.
Protein change: p.Val942Gly; replaces valine 942 with glycine.
Molecular consequence: missense variant.
Genome position (GRCh38, 1-based): chr7:128,843,809, T>G. VCF-style: chr7-128843809-T-G. GRCh37 (hg19) VCF-style: chr7-128483863-T-G.
Other names: c.2825T>G, p.Val942Gly (NM_001127487.2); short protein forms V942G.
Identifiers: ClinVar variation 4871455 (VCV004871455.1).

ClinVar aggregate classification (germline): Uncertain significance (1 of 4 stars; one submission).

Conditions:
Cardiovascular phenotype. Identifiers: MedGen CN230736.

Submission:

Ambry Genetics
Classification: Uncertain significance for Cardiovascular phenotype. Last evaluated: 2026-04-04. Review status: criteria provided, single submitter. Criteria: Ambry Variant Classification Scheme 2023. Collection method: clinical testing. Allele origin: germline.
Comment: The p.V942G variant (also known as c.2825T>G), located in coding exon 19 of the FLNC gene, results from a T to G substitution at nucleotide position 2825. The valine at codon 942 is replaced by glycine, an amino acid with dissimilar properties. This amino acid position is conserved. In addition, this alteration is predicted to be deleterious by in silico analysis. Based on the available evidence, the clinical significance of this variant remains unclear.